The following is an entry in ClinVar:

ClinVar aggregate classification (germline): Uncertain significance (1 of 4 stars; one submission).

Conditions:
Pseudohypoparathyroidism type 1B (PHP1B). Also called: PHP IB; Pseudohypoparathyroidism Type IB; Pseudohypoparathyroidism Ib (PHP-Ib). Identifiers: Orphanet 94089, MedGen C1864100, MONDO:0011301, OMIM 603233.

Submission:

3billion
Classification: Uncertain significance for Pseudohypoparathyroidism type 1B. Last evaluated: 2023-02-23. Review status: criteria provided, single submitter. Criteria: ACMG Guidelines, 2015. Collection method: clinical testing. Allele origin: unknown. Affected: yes.
Comment: The variant is not observed in the gnomAD v2.1.1 dataset. In silico tools predict the variant to alter splicing and produce an abnormal transcript (SpliceAI: 0.83). However, the evidence of pathogenicity is insufficient at this time. Therefore, this variant is classified as VUS according to the recommendation of ACMG/AMP guideline.

NM_000516.7(GNAS):c.212+6T>G

Gene: GNAS (GNAS complex locus; plus strand). Cytogenetic location: 20q13.32.
Variant type: single nucleotide variant.
Coding change: c.212+6T>G on transcript NM_000516.7 (MANE Select); 6 bases into the intron after coding-DNA position 212, T replaced by G.
Molecular consequence: intron variant.
Genome position (GRCh38, 1-based): chr20:58,895,690, T>G. VCF-style: chr20-58895690-T-G. GRCh37 (hg19) VCF-style: chr20-57470745-T-G.
Other names: c.*115+6T>G (NM_016592.5); c.35+6T>G (NM_001309861.2, NM_001309840.2); c.*73+6T>G (NM_001077490.3); c.2141+6T>G (NM_080425.4); c.*231+6T>G (NM_001309883.1); c.212+6T>G (NM_001077488.5, NM_080426.4, NM_001077489.4 and 1 more transcripts).
Identifiers: ClinVar variation 2444324 (VCV002444324.1), dbSNP rs2516903446, ClinGen allele CA2580098301.